The following is an entry in ClinVar:

ClinVar aggregate classification (germline): Pathogenic/Likely pathogenic. Review status: criteria provided, multiple submitters, no conflicts (2 of 4 stars). 5 submissions from 5 submitters: Pathogenic (4); Likely pathogenic (1). Last evaluated 2024-09-26.

Conditions:
GNPTG-mucolipidosis. Also called: ML III GAMMA; ML IIIC; Mucolipidosis type III gamma; MUCOLIPIDOSIS III, COMPLEMENTATION GROUP C; MUCOLIPIDOSIS III, IRANIAN VARIANT FORM; MUCOLIPIDOSIS III, VARIANT FORM. Identifiers: Orphanet 423470, Orphanet 577, MedGen C1854896, MONDO:0009652, OMIM 252605.

Submissions (5):

Revvity Omics, Revvity
Classification: Pathogenic for GNPTG-mucolipidosis. Last evaluated: 2024-09-26. Review status: criteria provided, single submitter. Criteria: ACMG Guidelines, 2015. Collection method: clinical testing. Allele origin: germline.

Labcorp Genetics (formerly Invitae), Labcorp
Classification: Pathogenic. Last evaluated: 2023-05-01. Review status: criteria provided, single submitter. Criteria: Invitae Variant Classification Sherloc (09022015). Collection method: clinical testing. Allele origin: germline.
Comment: This sequence change creates a premature translational stop signal (p.Phe65Serfs*19) in the GNPTG gene. It is expected to result in an absent or disrupted protein product. Loss-of-function variants in GNPTG are known to be pathogenic (PMID: 19370764, 20301784). This variant is not present in population databases (gnomAD no frequency). This premature translational stop signal has been observed in individual(s) with GNPTG-related conditions (PMID: 31069529). This variant is also known as c.189_192dupTCTC. For these reasons, this variant has been classified as Pathogenic.

Foundation for Research in Genetics and Endocrinology, FRIGE's Institute of Human Genetics
Classification: Pathogenic for GNPTG-mucolipidosis. Last evaluated: 2021-12-15. Review status: criteria provided, single submitter. Criteria: ACMG Guidelines, 2015. Collection method: clinical testing. Allele origin: germline. Inheritance: Autosomal recessive inheritance. Affected: yes. Observed: 1 homozygote.
Comment: A homozygous frameshift variation in exon 4 of the GNPTG gene that results in a frameshift and premature truncation of the protein 19 amino acids downstream to codon 65 was detected. The observed variant c.190_193dup (p.Phe65SerfsTer19) has not been reported in the 1000 genomes and gnomAD databases. The in-silico prediction of the variant is damaging by MutationTaster2. The reference region is conserved across species.

Neuberg Centre For Genomic Medicine, NCGM
Classification: Likely pathogenic for GNPTG-mucolipidosis. Review status: criteria provided, single submitter. Criteria: ACMG Guidelines, 2015. Collection method: clinical testing. Allele origin: germline. Inheritance: Autosomal recessive inheritance. Affected: yes.
Comment: The frameshift c.190_193dup(p.Phe65SerfsTer19) variant in GNPTG gene has been submitted to the ClinVar database as Pathogenic. This variant has not been reported in affected individuals in the literature, to our knowledge. The p.Phe65SerfsTer19 variant is absent in gnomAD Exomes. This variant causes a frameshift starting with codon Phenylalanine 65, changes this amino acid to Serine residue, and creates a premature Stop codon at position 19 of the new reading frame, denoted p.Phe65SerfsTer19. This variant is predicted to cause loss of normal protein function through protein truncation. Loss of function variants have been previously reported to be disease causing. For these reasons, this variant has been classified as Likely Pathogenic.

Suma Genomics
Classification: Pathogenic for GNPTG-mucolipidosis. Review status: criteria provided, single submitter. Criteria: ACMG Guidelines, 2015. Collection method: clinical testing. Allele origin: germline. Inheritance: Autosomal recessive inheritance. Affected: yes. Observed: 1 homozygote.
Comment: A frameshift variant c.190_193dup, p.(Phe65SerfsTer19) is observed in exon 4 of GNPTG in homozygous state. This variant is not observed in the gnomAD database. ACMG classification: Pathogenic Criteria met: PVS1,PM2_Supporting and PM3_Strong

Literature cited by the submitters: PubMed 19370764 (cited by Labcorp Genetics (formerly Invitae), Labcorp); PubMed 20301784 (cited by Labcorp Genetics (formerly Invitae), Labcorp); PubMed 31069529 (cited by Labcorp Genetics (formerly Invitae), Labcorp).

NM_032520.5(GNPTG):c.190_193dup (p.Phe65fs)

Gene: GNPTG (N-acetylglucosamine-1-phosphate transferase subunit gamma; plus strand). Cytogenetic location: 16p13.3.
Variant type: Microsatellite.
Coding change: c.190_193dup on transcript NM_032520.5 (MANE Select); coding-DNA positions 190 to 193, 4 bases duplicated (CTCT; older notation c.190_193dupCTCT).
Protein change: p.Phe65fs; shifts the reading frame from phenylalanine 65.
Molecular consequence: frameshift variant.
Genome position (GRCh38, 1-based): chr16:1,361,754-1,361,757, CTCT duplicated; duplicating any 4 consecutive bases within chr16:1,361,753-1,361,757 gives the same sequence; the c. name uses the placement nearest the transcript's 3' end. VCF-style (leftmost placement, unchanged base first): chr16-1361752-A-ATCTC. GRCh37 (hg19) VCF-style: chr16-1411753-A-ATCTC.
Other names: p.Phe65SerfsTer19; short protein forms F65fs.
Identifiers: ClinVar variation 1342959 (VCV001342959.9), dbSNP rs2141861740, ClinGen allele CA16040580.